The following is an entry in ClinVar:

NM_021954.4(GJA3):c.82G>T (p.Val28Leu)

Gene: GJA3 (gap junction protein alpha 3; minus strand). Cytogenetic location: 13q12.11.
Variant type: single nucleotide variant.
Coding change: c.82G>T on transcript NM_021954.4 (MANE Select); coding-DNA position 82, G replaced by T.
Protein change: p.Val28Leu; replaces valine 28 with leucine.
Molecular consequence: missense variant.
Genome position (GRCh38, 1-based): chr13:20,143,207, C>A on the plus strand (G>T on the coding strand, the complement: GJA3 is on the minus strand). VCF-style: chr13-20143207-C-A. GRCh37 (hg19) VCF-style: chr13-20717346-C-A.
Other names: short protein forms V28L.
Identifiers: ClinVar variation 3253719 (VCV003253719.1), dbSNP rs1555339539.

ClinVar aggregate classification (germline): Uncertain significance (1 of 4 stars; one submission).

Conditions:
Cataract 14 multiple types. Also called: CATARACT 14, ZONULAR PULVERULENT; CATARACT 14, NUCLEAR PULVERULENT; CATARACT 14, NUCLEAR PULVERULENT AND POSTERIOR POLAR; CATARACT 14, NUCLEAR CORALLIFORM; CATARACT 14, EMBRYONAL NUCLEAR; CATARACT 14, COPPOCK-LIKE. Identifiers: Orphanet 91492, MedGen C1866078, MONDO:0011162, OMIM 601885.

Submission:

Dept. Genetics and Cancer, Menzies Institute for Medical Research, University of Tasmania
Classification: Uncertain significance for Cataract 14 multiple types. Last evaluated: 2023-01-21. Review status: criteria provided, single submitter. Criteria: ACMG Guidelines, 2015. Collection method: curation. Allele origin: germline. Affected: yes.
Comment: Variant identified and curated during a GJA3 specific review of the literature in relation to pediatric or congenital cataract. ACMG-AMP criteria applied: PM1, PM2(Supporting), PP3. Original variant reports: PMID:32384692. Gene review and curation guidelines are outlined in: DOI 10.1080/17469899.2023.2160320

Literature cited by the submitters: PubMed 32384692.